The following is an entry in ClinVar:

ClinVar aggregate classification (germline): Uncertain significance (1 of 4 stars; one submission).

Conditions:
Kabuki syndrome. Also called: NIIKAWA-KUROKI SYNDROME; Kabuki make-up syndrome. Identifiers: Orphanet 2322, MedGen C0796004, MONDO:0016512.

Submission:

Labcorp Genetics (formerly Invitae), Labcorp
Classification: Uncertain significance for Kabuki syndrome. Last evaluated: 2025-11-25. Review status: criteria provided, single submitter. Criteria: Invitae Variant Classification Sherloc (09022015). Collection method: clinical testing. Allele origin: germline.
Comment: This sequence change replaces glutamine, which is neutral and polar, with glutamic acid, which is acidic and polar, at codon 1134 of the KMT2D protein (p.Gln1134Glu). This variant is not present in population databases (gnomAD no frequency). This variant has not been reported in the literature in individuals affected with KMT2D-related conditions. Invitae Evidence Modeling of protein sequence and biophysical properties (such as structural, functional, and spatial information, amino acid conservation, physicochemical variation, residue mobility, and thermodynamic stability) indicates that this missense variant is not expected to disrupt KMT2D protein function with a negative predictive value of 95%. In summary, the available evidence is currently insufficient to determine the role of this variant in disease. Therefore, it has been classified as a Variant of Uncertain Significance.

NM_003482.4(KMT2D):c.3400C>G (p.Gln1134Glu)

Gene: KMT2D (lysine methyltransferase 2D; minus strand). Cytogenetic location: 12q13.12.
Variant type: single nucleotide variant.
Coding change: c.3400C>G on transcript NM_003482.4 (MANE Select); coding-DNA position 3400, C replaced by G.
Protein change: p.Gln1134Glu; replaces glutamine 1134 with glutamic acid.
Molecular consequence: missense variant.
Genome position (GRCh38, 1-based): chr12:49,050,188, G>C on the plus strand (C>G on the coding strand, the complement: KMT2D is on the minus strand). VCF-style: chr12-49050188-G-C. GRCh37 (hg19) VCF-style: chr12-49443971-G-C.
Other names: short protein forms Q1134E.
Identifiers: ClinVar variation 4801251 (VCV004801251.1).